The following is an entry in ClinVar:

ClinVar aggregate classification (germline): Uncertain significance. Review status: criteria provided, multiple submitters, no conflicts (2 of 4 stars). 2 submissions from 2 submitters: Uncertain significance (2). Last evaluated 2024-05-17.

Conditions:
Long QT syndrome (LQTS). Identifiers: MedGen C0023976, MeSH D008133, MONDO:0002442. Disease mechanism: loss of function. Inheritance: Various modes of inheritance.

Allele frequency attached by ClinVar (database versions not stated): gnomAD exomes below 0.00001.
gnomAD v4.1: 6 of 1,613,654 alleles (0.00037%); highest among the groups gnomAD compares: Non-Finnish European, 0.00051%; no homozygotes.

Submissions (2):

GeneDx
Classification: Uncertain significance. Last evaluated: 2024-05-17. Review status: criteria provided, single submitter. Criteria: GeneDx Variant Classification Process June 2021. Collection method: clinical testing. Allele origin: germline. Affected: yes.
Comment: Has not been previously published as pathogenic or benign to our knowledge; Not observed at significant frequency in large population cohorts (gnomAD); In silico analysis supports that this missense variant has a deleterious effect on protein structure/function

Labcorp Genetics (formerly Invitae), Labcorp
Classification: Uncertain significance for Long QT syndrome. Last evaluated: 2021-04-10. Review status: criteria provided, single submitter. Criteria: Invitae Variant Classification Sherloc (09022015). Collection method: clinical testing. Allele origin: germline.
Comment: In summary, the available evidence is currently insufficient to determine the role of this variant in disease. Therefore, it has been classified as a Variant of Uncertain Significance. Algorithms developed to predict the effect of missense changes on protein structure and function are either unavailable or do not agree on the potential impact of this missense change (SIFT: "Deleterious"; PolyPhen-2: "Benign"; Align-GVGD: "Class C0"). This variant has not been reported in the literature in individuals with SNTA1-related conditions. This variant is not present in population databases (ExAC no frequency). This sequence change replaces isoleucine with threonine at codon 297 of the SNTA1 protein (p.Ile297Thr). The isoleucine residue is moderately conserved and there is a moderate physicochemical difference between isoleucine and threonine.

NM_003098.3(SNTA1):c.890T>C (p.Ile297Thr)

Gene: SNTA1 (syntrophin alpha 1; minus strand). Cytogenetic location: 20q11.21.
Variant type: single nucleotide variant.
Coding change: c.890T>C on transcript NM_003098.3 (MANE Select); coding-DNA position 890, T replaced by C.
Protein change: p.Ile297Thr; replaces isoleucine 297 with threonine.
Molecular consequence: missense variant.
Genome position (GRCh38, 1-based): chr20:33,412,594, A>G on the plus strand (T>C on the coding strand, the complement: SNTA1 is on the minus strand). VCF-style: chr20-33412594-A-G. GRCh37 (hg19) VCF-style: chr20-32000400-A-G.
Other names: c.890T>C (NM_003098.2); short protein forms I297T.
Identifiers: ClinVar variation 1481346 (VCV001481346.9), dbSNP rs2146762566, ClinGen allele CA408631382.